The following is an entry in ClinVar:

NM_001318510.2(ACSL4):c.1855+6_1855+9del

Gene: ACSL4 (acyl-CoA synthetase long chain family member 4; minus strand). Cytogenetic location: Xq23.
Variant type: Microsatellite.
Coding change: c.1855+6_1855+9del on transcript NM_001318510.2 (MANE Select); bases 6 to 9 of the intron after coding-DNA position 1855, 4 bases deleted (TAAG; older notation c.1855+6_1855+9delTAAG).
Molecular consequence: splice donor variant.
Genome position (GRCh38, 1-based): chrX:109,659,345-109,659,348, CTTA deleted on the plus strand (TAAG on the coding strand, the reverse complement: ACSL4 is on the minus strand); deleting any 4 consecutive bases within chrX:109,659,345-109,659,354 gives the same sequence; the c. name uses the placement nearest the transcript's 3' end. VCF-style (leftmost placement, unchanged base first): chrX-109659344-TCTTA-T. GRCh37 (hg19) VCF-style: chrX-108902573-TCTTA-T.
Other names: c.1855+6_1855+9del (NM_001437252.1, NM_001437251.1, NM_004458.3 and 2 more transcripts); c.1978+6_1978+9del (NM_001437247.1, NM_001437248.1, NM_001437245.1 and 2 more transcripts).
Identifiers: ClinVar variation 4987442 (VCV004987442.1).

ClinVar aggregate classification (germline): Likely benign (1 of 4 stars; one submission).

Conditions:
ACSL4-related disorder. Also called: ACSL4-related condition.

Submission:

PreventionGenetics, part of Exact Sciences
Classification: Likely benign for ACSL4-related condition. Last evaluated: 2026-03-16. Review status: criteria provided, single submitter. Criteria: ACMG Guidelines, 2015. Collection method: clinical testing. Allele origin: germline.
Comment: This variant is classified as likely benign based on ACMG/AMP sequence variant interpretation guidelines (Richards et al. 2015 PMID: 25741868, with internal and published modifications).